The following is an entry in ClinVar:

ClinVar aggregate classification (germline): Pathogenic (1 of 4 stars; one submission).

Conditions:
Epilepsy, familial focal, with variable foci 3 (FFEVF3). Identifiers: MedGen C4310708, MONDO:0014925, OMIM 617118.

Submission:

Labcorp Genetics (formerly Invitae), Labcorp
Classification: Pathogenic for Epilepsy, familial focal, with variable foci 3. Last evaluated: 2020-09-25. Review status: criteria provided, single submitter. Criteria: Invitae Variant Classification Sherloc (09022015). Collection method: clinical testing. Allele origin: germline.
Comment: This variant is an out-of-frame deletion of the genomic region encompassing exon(s) 3-7 of the NPRL3 gene. This is expected to create a premature translational stop signal and result in an absent or disrupted protein product. This variant has not been reported in the literature in individuals with NPRL3-related conditions. Loss-of-function variants in NPRL3 are known to be pathogenic (PMID: 26285051, 26505888). For these reasons, this variant has been classified as Pathogenic.

Literature cited by the submitters: PubMed 26285051; PubMed 26505888.

NC_000016.9:g.(?_160513)_(180600_?)del

Gene: NPRL3 (NPR3 like, GATOR1 complex subunit; minus strand). Cytogenetic location: 16p13.3.
Variant type: Deletion.
Identifiers: ClinVar variation 1076140 (VCV001076140.1).